The following is an entry in ClinVar:

ClinVar aggregate classification (germline): Pathogenic (1 of 4 stars; one submission).
ClinVar aggregate classification (oncogenicity): Likely oncogenic (1 of 4 stars; one submission).

Conditions:
Radio-Tartaglia syndrome. Identifiers: Orphanet 662234, MedGen C5543339, MONDO:0859143, OMIM 619312.
Neoplasm. Also called: tumor; Neoplasms; Neoplasm (disease). Identifiers: MedGen C0027651, MeSH D009369, MONDO:0005070, HP:0002664.

Submissions (2):

Victorian Clinical Genetics Services, Murdoch Childrens Research Institute
Classification: Pathogenic for Radio-Tartaglia syndrome. Last evaluated: 2026-05-25. Review status: criteria provided, single submitter. Criteria: ACMG Guidelines, 2015. Collection method: clinical testing. Allele origin: germline. Affected: yes.
Comment: This variant is classified as Pathogenic. Evidence in support of pathogenic classification: Variant is predicted to cause nonsense-mediated decay (NMD) and loss of protein (premature termination codon is located at least 54 nucleotides upstream of the final exon-exon junction); Variant is absent from gnomAD (v2, v3 and v4); Other NMD-predicted variant(s) comparable to the one identified in this case have very strong previous evidence for pathogenicity (DECIPHER); Additional information: This variant is heterozygous; This gene is associated with autosomal dominant disease; This variant has no previous evidence of pathogenicity; No published evidence of segregation with disease has been identified for this variant; No published functional evidence has been identified for this variant; Loss of function is a known mechanism of disease in this gene and is associated with Radio-Tartaglia syndrome (MIM#619312); Variants in this gene are known to have variable expressivity (OMIM).

Center for Genomic Medicine, Rigshospitalet, Copenhagen University Hospital
Classification: Likely oncogenic for Neoplasm. Last evaluated: 2025-03-04. Review status: criteria provided, single submitter. Criteria: ClinGen/CGC/VICC Guidelines for Oncogenicity, 2022. Collection method: clinical testing. Allele origin: somatic. Affected: yes.

NM_015001.3(SPEN):c.4252C>T (p.Arg1418Ter)

Gene: SPEN (spen family transcriptional repressor; plus strand). Cytogenetic location: 1p36.13.
Variant type: single nucleotide variant.
Coding change: c.4252C>T on transcript NM_015001.3 (MANE Select); coding-DNA position 4252, C replaced by T.
Protein change: p.Arg1418Ter; replaces arginine 1418 with a stop codon.
Molecular consequence: nonsense.
Genome position (GRCh38, 1-based): chr1:15,930,492, C>T. VCF-style: chr1-15930492-C-T. GRCh37 (hg19) VCF-style: chr1-16256987-C-T.
Other names: short protein forms R1418*.
Identifiers: ClinVar variation 3258020 (VCV003258020.3).